The following is an entry in ClinVar:

NM_001267550.2(TTN):c.71074A>C (p.Asn23692His)

Genes: TTN (titin; minus strand), TTN-AS1 (TTN antisense RNA 1; plus strand). Cytogenetic location: 2q31.2.
Variant type: single nucleotide variant.
Coding change: c.71074A>C on transcript NM_001267550.2 (MANE Select); coding-DNA position 71074, A replaced by C.
Protein change: p.Asn23692His; replaces asparagine 23692 with histidine.
Molecular consequence: missense variant.
Genome position (GRCh38, 1-based): chr2:178,575,058, T>G on the plus strand (A>C on the coding strand, the complement: TTN is on the minus strand). VCF-style: chr2-178575058-T-G. GRCh37 (hg19) VCF-style: chr2-179439785-T-G.
Other names: c.66151A>C, p.Asn22051His (NM_001256850.1); c.43879A>C, p.Asn14627His (NM_003319.4); c.63370A>C, p.Asn21124His (NM_133378.4); c.44254A>C, p.Asn14752His (NM_133432.3); c.44455A>C, p.Asn14819His (NM_133437.4); short protein forms N23692H, N14627H, N14752H, N14819H, N21124H, N22051H.
Identifiers: ClinVar variation 4979744 (VCV004979744.1).

ClinVar aggregate classification (germline): Uncertain significance (1 of 4 stars; one submission).

Conditions:
TTN-related disorder. Also called: TTN-related condition; TTN-related disease; TTN-related disorders.

gnomAD v4.1: 5 of 1,613,432 alleles (0.00031%); highest among the groups gnomAD compares: Non-Finnish European, 0.00042%; no homozygotes.

Submission:

PreventionGenetics, part of Exact Sciences
Classification: Uncertain significance for TTN-related condition. Last evaluated: 2026-09-11. Review status: criteria provided, single submitter. Criteria: ACMG Guidelines, 2015. Collection method: clinical testing. Allele origin: germline.
Comment: The TTN c.71074A>C variant is predicted to result in the amino acid substitution p.Asn23692His. To our knowledge, this variant has not been reported in the literature. This variant is reported in 0.00089% of alleles in individuals of European (Non-Finnish) descent in gnomAD. At this time, the clinical significance of this variant is uncertain due to the absence of conclusive functional and genetic evidence.